The following is an entry in ClinVar:

NM_004937.3(CTNS):c.140G>A (p.Arg47Gln)

Gene: CTNS (cystinosin, lysosomal cystine transporter; plus strand). Cytogenetic location: 17p13.2.
Variant type: single nucleotide variant.
Coding change: c.140G>A on transcript NM_004937.3 (MANE Select); coding-DNA position 140, G replaced by A.
Protein change: p.Arg47Gln; replaces arginine 47 with glutamine.
Molecular consequence: missense variant. On other transcripts: 5 prime UTR variant (3), intron variant (1).
Genome position (GRCh38, 1-based): chr17:3,647,522, G>A. VCF-style: chr17-3647522-G-A. GRCh37 (hg19) VCF-style: chr17-3550816-G-A.
Other names: c.140G>A, p.Arg47Gln (NM_001031681.3, NM_001374492.1); c.-217G>A (NM_001374493.1, NM_001374496.1); c.-302G>A (NM_001374494.1); c.-217+7255G>A (NM_001374495.1); short protein forms R47Q.
Identifiers: ClinVar variation 1381664 (VCV001381664.8), dbSNP rs745744798, ClinGen allele CA8291565.
Genomic context (GRCh38, chr17:3,647,522, plus strand): 5'-CTGTTCCTCCTGTCGTAAAGCTGGAGAACGGCAGCTCGACCAACGTCAGCCTCACCCTGC[G>A]GTAAGTTCCTGGGCCTGGCGCTGTGCTCAGCTCCGCTCAGGCCCCGCAGCTGGGTCAGGG-3'
Protein context (NP_004928.2, residues 37-57): GSSTNVSLTL[Arg47Gln]PPLNATLVIT

ClinVar aggregate classification (germline): Uncertain significance. Review status: criteria provided, multiple submitters, no conflicts (2 of 4 stars). 2 submissions from 2 submitters: Uncertain significance (2). Last evaluated 2021-12-06.

Conditions:
Inborn genetic diseases. Identifiers: MedGen C0950123, MeSH D030342.
Ocular cystinosis. Also called: Non-Nephropathic Cystinosis; Non-Nephropathic (Ocular) Cystinosis. Identifiers: Orphanet 213, Orphanet 411641, MedGen C2931013, MONDO:0009064, OMIM 219750.
Juvenile nephropathic cystinosis. Also called: Intermediate Cystinosis; CYSTINOSIS, LATE-ONSET JUVENILE OR ADOLESCENT NEPHROPATHIC TYPE; Later-Onset (Juvenile) Cystinosis. Identifiers: Orphanet 213, Orphanet 411634, MedGen C0268626, MONDO:0009066, OMIM 219900.
Nephropathic cystinosis (CTNS). Also called: CYSTINOSIN, DEFECT OF; LYSOSOMAL CYSTINE TRANSPORT PROTEIN, DEFECT OF; Abderhalden Lignac Kaufmann disease; Abderhalden-Kaufmann-Lignac syndrome. Identifiers: Orphanet 213, Orphanet 411629, MedGen C2931187, MONDO:0100151, OMIM 219800.

Allele frequency attached by ClinVar (database versions not stated): gnomAD 0.00001; gnomAD exomes 0.00001 and 0.00002; ExAC 0.00002.
gnomAD v4.1: 29 of 1,613,844 alleles (0.0018%); highest among the groups gnomAD compares: Non-Finnish European, 0.0022%; no homozygotes.

Submissions (2):

Fulgent Genetics
Classification: Uncertain significance for Ocular cystinosis; Nephropathic cystinosis; Juvenile nephropathic cystinosis. Last evaluated: 2021-12-06. Review status: criteria provided, single submitter. Criteria: ACMG Guidelines, 2015. Collection method: clinical testing. Allele origin: unknown.

Labcorp Genetics (formerly Invitae), Labcorp
Classification: Uncertain significance for Inborn genetic diseases; Ocular cystinosis; Juvenile nephropathic cystinosis. Last evaluated: 2021-08-28. Review status: criteria provided, single submitter. Criteria: Invitae Variant Classification Sherloc (09022015). Collection method: clinical testing. Allele origin: germline.
Comment: This sequence change replaces arginine with glutamine at codon 47 of the CTNS protein (p.Arg47Gln). The arginine residue is weakly conserved and there is a small physicochemical difference between arginine and glutamine. This variant also falls at the last nucleotide of exon 4, which is part of the consensus splice site for this exon. This variant is present in population databases (rs745744798, ExAC 0.009%). This variant has not been reported in the literature in individuals affected with CTNS-related conditions. Algorithms developed to predict the effect of missense changes on protein structure and function output the following: SIFT: "Tolerated"; PolyPhen-2: "Benign"; Align-GVGD: "Class C0". The glutamine amino acid residue is found in multiple mammalian species, which suggests that this missense change does not adversely affect protein function. Variants that disrupt the consensus splice site are a relatively common cause of aberrant splicing (PMID: 17576681, 9536098). Algorithms developed to predict the effect of sequence changes on RNA splicing suggest that this variant may disrupt the consensus splice site. In summary, the available evidence is currently insufficient to determine the role of this variant in disease. Therefore, it has been classified as a Variant of Uncertain Significance.

Literature cited by the submitters: PubMed 17576681 (cited by Labcorp Genetics (formerly Invitae), Labcorp); PubMed 9536098 (cited by Labcorp Genetics (formerly Invitae), Labcorp).